The following is an entry in ClinVar:

ClinVar aggregate classification (germline): Uncertain significance (1 of 4 stars; one submission).

gnomAD v4.1: 1 of 1,569,260 alleles (0.000064%); highest among the groups gnomAD compares: Admixed American, 0.0019%; no homozygotes.

Submission:

Labcorp Genetics (formerly Invitae), Labcorp
Classification: Uncertain significance. Last evaluated: 2020-11-10. Review status: criteria provided, single submitter. Criteria: Invitae Variant Classification Sherloc (09022015). Collection method: clinical testing. Allele origin: germline.
Comment: Algorithms developed to predict the effect of missense changes on protein structure and function (SIFT, PolyPhen-2, Align-GVGD) all suggest that this variant is likely to be tolerated, but these predictions have not been confirmed by published functional studies and their clinical significance is uncertain. In summary, the available evidence is currently insufficient to determine the role of this variant in disease. Therefore, it has been classified as a Variant of Uncertain Significance. This variant has not been reported in the literature in individuals with WDR1-related conditions. This variant is not present in population databases (ExAC no frequency). This sequence change replaces serine with threonine at codon 264 of the WDR1 protein (p.Ser264Thr). The serine residue is weakly conserved and there is a small physicochemical difference between serine and threonine.

NM_017491.5(WDR1):c.791G>C (p.Ser264Thr)

Gene: WDR1 (WD repeat domain 1; minus strand). Cytogenetic location: 4p16.1.
Variant type: single nucleotide variant.
Coding change: c.791G>C on transcript NM_017491.5 (MANE Select); coding-DNA position 791, G replaced by C.
Protein change: p.Ser264Thr; replaces serine 264 with threonine.
Molecular consequence: missense variant.
Genome position (GRCh38, 1-based): chr4:10,087,867, C>G on the plus strand (G>C on the coding strand, the complement: WDR1 is on the minus strand). VCF-style: chr4-10087867-C-G. GRCh37 (hg19) VCF-style: chr4-10089491-C-G.
Other names: c.371G>C, p.Ser124Thr (NM_005112.5); short protein forms S124T, S264T.
Identifiers: ClinVar variation 1482971 (VCV001482971.8), dbSNP rs1247659952, ClinGen allele CA356362033.